The following is an entry in ClinVar:

NM_000138.5(FBN1):c.4070A>T (p.Asp1357Val)

Gene: FBN1 (fibrillin 1; minus strand). Cytogenetic location: 15q21.1.
Variant type: single nucleotide variant.
Coding change: c.4070A>T on transcript NM_000138.5 (MANE Select); coding-DNA position 4070, A replaced by T.
Protein change: p.Asp1357Val; replaces aspartic acid 1357 with valine.
Molecular consequence: missense variant.
Genome position (GRCh38, 1-based): chr15:48,474,545, T>A on the plus strand (A>T on the coding strand, the complement: FBN1 is on the minus strand). VCF-style: chr15-48474545-T-A. GRCh37 (hg19) VCF-style: chr15-48766742-T-A.
Other names: c.4070A>T, p.Asp1357Val (NM_001406716.1); short protein forms D1357V.
Identifiers: ClinVar variation 3386808 (VCV003386808.1).

ClinVar aggregate classification (germline): Uncertain significance (1 of 4 stars; one submission).

Conditions:
Marfan syndrome (MFS). Also called: MARFAN SYNDROME, TYPE I; Marfan syndrome type 1; Marfan's syndrome; FBN1-Related Marfan Syndrome; Marfan syndrome, classic. Identifiers: Orphanet 284963, Orphanet 558, MedGen C0024796, MONDO:0007947, OMIM 154700.

Submission:

All of Us Research Program, National Institutes of Health
Classification: Uncertain significance for Marfan syndrome. Last evaluated: 2024-08-13. Review status: criteria provided, single submitter. Criteria: ACMG Guidelines, 2015. Collection method: clinical testing. Allele origin: germline. Inheritance: Autosomal dominant inheritance. Observed: 1 variant allele, 1 heterozygote.
Comment: This missense variant replaces aspartic acid with valine at codon 1357 of the FBN1 protein. Computational prediction suggests that this variant may have deleterious impact on protein structure and function (internally defined REVEL score threshold >= 0.7, PMID: 27666373). To our knowledge, functional studies have not been reported for this variant. This variant has not been reported in individuals affected with FBN1-related disorders in the literature. This variant has not been identified in the general population by the Genome Aggregation Database (gnomAD). The available evidence is insufficient to determine the role of this variant in disease conclusively. Therefore, this variant is classified as a Variant of Uncertain Significance.

This study involves interpretation of variants in research participants for the purpose of population health screening. Participant phenotype was not available at the time of variant classification. Additional details can be found in publication PMID: 35346344, PMCID: PMC8962531